The following is an entry in ClinVar:

NM_001164508.2(NEB):c.8795del (p.Ile2932fs)

Gene: NEB (nebulin; minus strand). Cytogenetic location: 2q23.3.
Variant type: Deletion.
Coding change: c.8795del on transcript NM_001164508.2 (MANE Select); coding-DNA position 8795, one base deleted (T; older notation c.8795delT).
Protein change: p.Ile2932fs; shifts the reading frame from isoleucine 2932.
Molecular consequence: frameshift variant.
Genome position (GRCh38, 1-based): chr2:151,639,951, A deleted on the plus strand (T on the coding strand, the reverse complement: NEB is on the minus strand). VCF-style (leftmost placement, unchanged base first): chr2-151639950-GA-G. GRCh37 (hg19) VCF-style: chr2-152496464-GA-G.
Other names: c.8795del, p.Ile2932fs (NM_001164507.2, NM_001271208.2, NM_004543.5); short protein forms I2932fs.
Identifiers: ClinVar variation 5013967 (VCV005013967.1).

ClinVar aggregate classification (germline): Pathogenic (1 of 4 stars; one submission).

Conditions:
Nemaline myopathy 2 (NEM2). Also called: Nemaline myopathy 2, autosomal recessive. Identifiers: MedGen C1850569, MONDO:0009725, OMIM 256030.

Submission:

Myriad Genetics, Inc.
Classification: Pathogenic for Nemaline myopathy 2. Last evaluated: 2025-01-14. Review status: criteria provided, single submitter. Criteria: Myriad Autosomal Dominant, Autosomal Recessive and X-Linked Classification Criteria (2023). Collection method: clinical testing. Allele origin: unknown.
Comment: NM_001271208.1(NEB):c.8795delT(I2932Tfs*14) is expected to be pathogenic in the context of NEB-related nemaline myopathy. This variant is predicted to lead to an abnormal or absent protein product due to the creation of a premature termination codon in NEB, a gene where loss-of-function variants are known to be pathogenic. Please note: this variant was assessed in the context of healthy population screening.